The following is an entry in ClinVar:

NM_004656.4(BAP1):c.1763C>G (p.Pro588Arg)

Gene: BAP1 (BRCA1 associated deubiquitinase 1; minus strand). Cytogenetic location: 3p21.1.
Variant type: single nucleotide variant.
Coding change: c.1763C>G on transcript NM_004656.4 (MANE Select); coding-DNA position 1763, C replaced by G.
Protein change: p.Pro588Arg; replaces proline 588 with arginine.
Molecular consequence: missense variant.
Genome position (GRCh38, 1-based): chr3:52,403,265, G>C on the plus strand (C>G on the coding strand, the complement: BAP1 is on the minus strand). VCF-style: chr3-52403265-G-C. GRCh37 (hg19) VCF-style: chr3-52437281-G-C.
Other names: c.1763C>G (NM_004656.2); short protein forms P588R.
Identifiers: ClinVar variation 539906 (VCV000539906.17), dbSNP rs780338105, ClinGen allele CA2436720.

ClinVar aggregate classification (germline): Conflicting classifications of pathogenicity. Review status: criteria provided, conflicting classifications (1 of 4 stars). 5 submissions from 5 submitters: Uncertain significance (4); Benign (1). Last evaluated 2025-12-08.

Conditions:
Hereditary cancer-predisposing syndrome. Also called: Neoplastic Syndromes, Hereditary; Hereditary Cancer Syndrome; Hereditary neoplastic syndrome; Tumor predisposition. Identifiers: Orphanet 140162, MedGen C0027672, MeSH D009386, MONDO:0015356.
BAP1-related tumor predisposition syndrome (TPDS1). Also called: COMMON Syndrome; TUMOR PREDISPOSITION SYNDROME 1; BAP1 tumor predisposition syndrome; Tumor susceptibility linked to germline BAP1 mutations. Identifiers: Orphanet 289539, MedGen C3280492, MONDO:0013692, OMIM 614327.

Allele frequency attached by ClinVar (database versions not stated): gnomAD exomes below 0.00001 and 0.00001; ExAC 0.00001.

Submissions (5):

Labcorp Genetics (formerly Invitae), Labcorp
Classification: Uncertain significance for BAP1-related tumor predisposition syndrome. Last evaluated: 2025-12-08. Review status: criteria provided, single submitter. Criteria: Invitae Variant Classification Sherloc (09022015). Collection method: clinical testing. Allele origin: germline.
Comment: This sequence change replaces proline, which is neutral and non-polar, with arginine, which is basic and polar, at codon 588 of the BAP1 protein (p.Pro588Arg). This variant is present in population databases (rs780338105, gnomAD 0.0009%). This variant has not been reported in the literature in individuals affected with BAP1-related conditions. ClinVar contains an entry for this variant (Variation ID: 539906). Invitae Evidence Modeling of protein sequence and biophysical properties (such as structural, functional, and spatial information, amino acid conservation, physicochemical variation, residue mobility, and thermodynamic stability) indicates that this missense variant is not expected to disrupt BAP1 protein function with a negative predictive value of 80%. In summary, the available evidence is currently insufficient to determine the role of this variant in disease. Therefore, it has been classified as a Variant of Uncertain Significance.

Ambry Genetics
Classification: Benign for Hereditary cancer-predisposing syndrome. Last evaluated: 2025-05-02. Review status: criteria provided, single submitter. Criteria: Ambry Variant Classification Scheme 2023. Collection method: clinical testing. Allele origin: germline.

Color Diagnostics, LLC DBA Color Health
Classification: Uncertain significance for Hereditary cancer-predisposing syndrome. Last evaluated: 2024-03-06. Review status: criteria provided, single submitter. Criteria: ACMG Guidelines, 2015. Collection method: clinical testing. Allele origin: germline.
Comment: This missense variant replaces proline with arginine at codon 588 of the BAP1 protein. Computational prediction suggests that this variant may not impact protein structure and function (internally defined REVEL score threshold <= 0.5, PMID: 27666373). To our knowledge, functional studies have not been reported for this variant. This variant has not been reported in individuals affected with hereditary cancer in the literature. This variant has been identified in 1/251338 chromosomes in the general population by the Genome Aggregation Database (gnomAD). The available evidence is insufficient to determine the role of this variant in disease conclusively. Therefore, this variant is classified as a Variant of Uncertain Significance.

Baylor Genetics
Classification: Uncertain significance for BAP1-related tumor predisposition syndrome. Last evaluated: 2023-06-19. Review status: criteria provided, single submitter. Criteria: ACMG Guidelines, 2015. Collection method: clinical testing. Allele origin: unknown.

GeneDx
Classification: Uncertain significance. Last evaluated: 2020-03-16. Review status: criteria provided, single submitter. Criteria: GeneDx Variant Classification Process June 2021. Collection method: clinical testing. Allele origin: germline. Affected: yes.
Comment: Has not been previously published as pathogenic or benign to our knowledge; Not observed at a significant frequency in large population cohorts (Lek 2016); In silico analysis supports that this missense variant does not alter protein structure/function

Literature cited by the submitters: PubMed 38969833 (cited by Ambry Genetics).